The following is an entry in ClinVar:

ClinVar aggregate classification (germline): Conflicting classifications of pathogenicity. Review status: criteria provided, conflicting classifications (1 of 4 stars). 3 submissions from 3 submitters: Uncertain significance (1); Likely benign (2). Last evaluated 2026-05-18.

Conditions:
Factor XIII, b subunit, deficiency of. Also called: Factor XIII subunit B deficiency. Identifiers: Orphanet 331, MedGen C2750481, MONDO:0013190, OMIM 613235, HP:0040234.

Allele frequency attached by ClinVar (database versions not stated): gnomAD 0.00005 and 0.00006; ExAC 0.00007; gnomAD exomes 0.00007 and 0.00008; TOPMed 0.00008; ESP Exome Variant Server 0.00015.
gnomAD v4.1: 132 of 1,612,720 alleles (0.0082%); highest among the groups gnomAD compares: Middle Eastern, 0.23%; no homozygotes.

Submissions (3):

Women's Health and Genetics/Laboratory Corporation of America, LabCorp
Classification: Likely benign. Last evaluated: 2026-05-18. Review status: criteria provided, single submitter. Criteria: LabCorp Variant Classification Summary - May 2015. Collection method: clinical testing. Allele origin: germline.

CeGaT Center for Human Genetics Tuebingen
Classification: Likely benign. Last evaluated: 2022-08-01. Review status: criteria provided, single submitter. Criteria: CeGaT Center For Human Genetics Tuebingen Variant Classification Criteria Version 2. Collection method: clinical testing. Allele origin: germline. Affected: yes. Observed: 1 variant allele.
Comment: F13B: BP4, BP7

Illumina Laboratory Services, Illumina
Classification: Uncertain significance for Factor XIII, b subunit, deficiency of. Last evaluated: 2018-01-12. Review status: criteria provided, single submitter. Criteria: ICSL Variant Classification Criteria 13 December 2019. Collection method: clinical testing. Allele origin: germline.

NM_001994.3(F13B):c.1815C>T (p.His605=)

Gene: F13B (coagulation factor XIII B chain; minus strand). Cytogenetic location: 1q31.3.
Variant type: single nucleotide variant.
Coding change: c.1815C>T on transcript NM_001994.3 (MANE Select); coding-DNA position 1815, C replaced by T.
Protein change: p.His605=; no amino-acid change (histidine 605 retained).
Molecular consequence: synonymous variant.
Genome position (GRCh38, 1-based): chr1:197,040,659, G>A on the plus strand (C>T on the coding strand, the complement: F13B is on the minus strand). VCF-style: chr1-197040659-G-A. GRCh37 (hg19) VCF-style: chr1-197009789-G-A.
Identifiers: ClinVar variation 294570 (VCV000294570.30), dbSNP rs375961962, ClinGen allele CA1308227.